The following is an entry in ClinVar:

ClinVar aggregate classification (germline): Pathogenic (1 of 4 stars; one submission).

Conditions:
Kabuki syndrome 2 (KABUK2). Also called: KDM6A-Related Kabuki Syndrome. Identifiers: Orphanet 2322, MedGen C3275495, MONDO:0010465, OMIM 300867.

Submission:

Labcorp Genetics (formerly Invitae), Labcorp
Classification: Pathogenic for Kabuki syndrome 2. Last evaluated: 2023-10-20. Review status: criteria provided, single submitter. Criteria: Invitae Variant Classification Sherloc (09022015). Collection method: clinical testing. Allele origin: germline.
Comment: This sequence change falls in intron 20 of the KDM6A gene. It does not directly change the encoded amino acid sequence of the KDM6A protein. It affects a nucleotide within the consensus splice site. This variant is not present in population databases (gnomAD no frequency). This variant has been observed in individual(s) with clinical features of Kabuki syndrome (Invitae). In at least one individual the variant was observed to be de novo. Variants that disrupt the consensus splice site are a relatively common cause of aberrant splicing (PMID: 17576681, 9536098). Algorithms developed to predict the effect of sequence changes on RNA splicing suggest that this variant may disrupt the consensus splice site. For these reasons, this variant has been classified as Pathogenic.

Literature cited by the submitters: PubMed 17576681; PubMed 9536098.

NM_001291415.2(KDM6A):c.3301-3T>G

Gene: KDM6A (lysine demethylase 6A; plus strand). Cytogenetic location: Xp11.3.
Variant type: single nucleotide variant.
Coding change: c.3301-3T>G on transcript NM_001291415.2 (MANE Select); 3 bases into the intron before coding-DNA position 3301, T replaced by G.
Molecular consequence: intron variant.
Genome position (GRCh38, 1-based): chrX:45,082,573, T>G. VCF-style: chrX-45082573-T-G. GRCh37 (hg19) VCF-style: chrX-44941818-T-G.
Other names: c.3145-3T>G (NM_001419812.1, NM_021140.4); c.3043-3T>G (NM_001419814.1, NM_001410742.1); c.3166-3T>G (NM_001419811.1, NM_001291416.2); c.3010-3T>G (NM_001291417.2); c.2908-3T>G (NM_001419815.1, NM_001291418.2); c.2257-3T>G (NM_001291421.2); c.3301-3T>G (NM_001419809.1); c.3199-3T>G (NM_001419810.1, NM_001419813.1).
Identifiers: ClinVar variation 2823606 (VCV002823606.3), dbSNP rs2045462398, ClinGen allele CA2739273467.